The following is an entry in ClinVar:

ClinVar aggregate classification (germline): Pathogenic/Likely pathogenic. Review status: criteria provided, multiple submitters, no conflicts (2 of 4 stars). 2 submissions from 2 submitters: Pathogenic (1); Likely pathogenic (1). Last evaluated 2023-06-26.

Conditions:
Glycogen storage disease type III (GSD3). Also called: FORBES DISEASE; Cori disease. Identifiers: Orphanet 366, MedGen C0017922, MONDO:0009291, OMIM 232400.

Allele frequency attached by ClinVar (database versions not stated): ExAC 0.00001; gnomAD 0.00001; 1000 Genomes Project 30x 0.00016; 1000 Genomes Project 0.00020.
gnomAD v4.1: 1 of 1,613,392 alleles (0.000062%); highest among the groups gnomAD compares: South Asian, 0.0011%; no homozygotes.

Submissions (2):

Labcorp Genetics (formerly Invitae), Labcorp
Classification: Pathogenic for Glycogen storage disease type III. Last evaluated: 2023-06-26. Review status: criteria provided, single submitter. Criteria: Invitae Variant Classification Sherloc (09022015). Collection method: clinical testing. Allele origin: germline.
Comment: This sequence change creates a premature translational stop signal (p.Gln1031*) in the AGL gene. It is expected to result in an absent or disrupted protein product. Loss-of-function variants in AGL are known to be pathogenic (PMID: 19299494). This variant is present in population databases (rs539108137, gnomAD 0.003%). For these reasons, this variant has been classified as Pathogenic. This variant has not been reported in the literature in individuals affected with AGL-related conditions.

Baylor Genetics
Classification: Likely pathogenic for Glycogen storage disease type III. Last evaluated: 2022-12-24. Review status: criteria provided, single submitter. Criteria: ACMG Guidelines, 2015. Collection method: clinical testing. Allele origin: unknown.

Literature cited by the submitters: PubMed 19299494 (cited by Labcorp Genetics (formerly Invitae), Labcorp).

NM_000642.3(AGL):c.3091C>T (p.Gln1031Ter)

Gene: AGL (amylo-alpha-1,6-glucosidase and 4-alpha-glucanotransferase; plus strand). Cytogenetic location: 1p21.2.
Variant type: single nucleotide variant.
Coding change: c.3091C>T on transcript NM_000642.3 (MANE Select); coding-DNA position 3091, C replaced by T.
Protein change: p.Gln1031Ter; replaces glutamine 1031 with a stop codon.
Molecular consequence: nonsense.
Genome position (GRCh38, 1-based): chr1:99,892,439, C>T. VCF-style: chr1-99892439-C-T. GRCh37 (hg19) VCF-style: chr1-100357995-C-T.
Other names: c.3091C>T (NM_000642.2); c.2887C>T, p.Gln963Ter (NM_001425328.1); c.2752C>T, p.Gln918Ter (NM_001425329.1); c.2713C>T, p.Gln905Ter (NM_001425332.1); c.3091C>T, p.Gln1031Ter (NM_000028.3, NM_000643.3, NM_000644.3 and 1 more transcripts); c.3043C>T, p.Gln1015Ter (NM_000646.3); c.3070C>T, p.Gln1024Ter (NM_001425326.1); c.2890C>T, p.Gln964Ter (NM_001425327.1); short protein forms Q1015*, Q1024*, Q1031*, Q905*, Q918*, Q963*, Q964*.
Identifiers: ClinVar variation 2674793 (VCV002674793.4), dbSNP rs539108137, ClinGen allele CA966978.